The following is an entry in ClinVar:

ClinVar aggregate classification (germline): Uncertain significance. Review status: criteria provided, multiple submitters, no conflicts (2 of 4 stars). 2 submissions from 2 submitters: Uncertain significance (2). Last evaluated 2025-07-03.

Conditions:
Gorlin syndrome. Also called: Basal cell nevus syndrome; Nevoid Basal Cell Carcinoma Syndrome. Identifiers: Orphanet 377, MedGen C0004779, MONDO:0007187.

Allele frequency attached by ClinVar (database versions not stated): gnomAD exomes 0.00004; ExAC 0.00005; gnomAD 0.00007 and 0.00008; TOPMed 0.00009; ESP Exome Variant Server 0.00015.

Submissions (2):

Labcorp Genetics (formerly Invitae), Labcorp
Classification: Uncertain significance for Gorlin syndrome. Last evaluated: 2025-07-03. Review status: criteria provided, single submitter. Criteria: Invitae Variant Classification Sherloc (09022015). Collection method: clinical testing. Allele origin: germline.
Comment: This sequence change replaces alanine, which is neutral and non-polar, with threonine, which is neutral and polar, at codon 1052 of the PTCH2 protein (p.Ala1052Thr). This variant is present in population databases (rs139590197, gnomAD 0.02%). This variant has not been reported in the literature in individuals affected with PTCH2-related conditions. ClinVar contains an entry for this variant (Variation ID: 453935). Invitae Evidence Modeling of protein sequence and biophysical properties (such as structural, functional, and spatial information, amino acid conservation, physicochemical variation, residue mobility, and thermodynamic stability) indicates that this missense variant is not expected to disrupt PTCH2 protein function with a negative predictive value of 80%. In summary, the available evidence is currently insufficient to determine the role of this variant in disease. Therefore, it has been classified as a Variant of Uncertain Significance.

Ambry Genetics
Classification: Uncertain significance. Last evaluated: 2023-03-21. Review status: criteria provided, single submitter. Criteria: Ambry Variant Classification Scheme 2023. Collection method: clinical testing. Allele origin: germline.

NM_003738.5(PTCH2):c.3154G>A (p.Ala1052Thr)

Gene: PTCH2 (patched 2; minus strand). Cytogenetic location: 1p34.1.
Variant type: single nucleotide variant.
Coding change: c.3154G>A on transcript NM_003738.5 (MANE Select); coding-DNA position 3154, G replaced by A.
Protein change: p.Ala1052Thr; replaces alanine 1052 with threonine.
Molecular consequence: missense variant.
Genome position (GRCh38, 1-based): chr1:44,823,346, C>T on the plus strand (G>A on the coding strand, the complement: PTCH2 is on the minus strand). VCF-style: chr1-44823346-C-T. GRCh37 (hg19) VCF-style: chr1-45289018-C-T.
Other names: c.3154G>A, p.Ala1052Thr (NM_001166292.2); short protein forms A1052T.
Identifiers: ClinVar variation 453935 (VCV000453935.11), dbSNP rs139590197, ClinGen allele CA822781.